The following is an entry in ClinVar:

ClinVar aggregate classification (germline): Likely benign. Review status: criteria provided, multiple submitters, no conflicts (2 of 4 stars). 3 submissions from 3 submitters: Likely benign (2). 1 of the submissions does not count toward it. Last evaluated 2026-01-26.

Conditions:
IMPG1-related disorder. Also called: IMPG1-related condition.

Allele frequency attached by ClinVar (database versions not stated): gnomAD exomes 0.00018; 1000 Genomes Project 0.00020; ExAC 0.00021; 1000 Genomes Project 30x 0.00031; gnomAD 0.00086 and 0.00094; TOPMed 0.00097; ESP Exome Variant Server 0.00131.
gnomAD v4.1: 261 of 1,614,164 alleles (0.016%); highest among the groups gnomAD compares: African/African-American, 0.33%; no homozygotes.

Submissions (3):

Labcorp Genetics (formerly Invitae), Labcorp
Classification: Likely benign. Last evaluated: 2026-01-26. Review status: criteria provided, single submitter. Criteria: Invitae Variant Classification Sherloc (09022015). Collection method: clinical testing. Allele origin: germline.

Blueprint Genetics
Classification: Likely benign. Last evaluated: 2024-06-18. Review status: criteria provided, single submitter. Criteria: ACMG Guidelines, 2015. Collection method: clinical testing. Allele origin: germline.

PreventionGenetics, part of Exact Sciences
Classification: Likely benign for IMPG1-related condition. Last evaluated: 2019-05-22. Review status: no assertion criteria provided. Collection method: clinical testing. Allele origin: germline. Not counted in ClinVar's aggregate classification.
Comment: This variant is classified as likely benign based on ACMG/AMP sequence variant interpretation guidelines (Richards et al. 2015 PMID: 25741868, with internal and published modifications).

NM_001563.4(IMPG1):c.2126A>G (p.Glu709Gly)

Gene: IMPG1 (interphotoreceptor matrix proteoglycan 1; minus strand). Cytogenetic location: 6q14.1.
Variant type: single nucleotide variant.
Coding change: c.2126A>G on transcript NM_001563.4 (MANE Select); coding-DNA position 2126, A replaced by G.
Protein change: p.Glu709Gly; replaces glutamic acid 709 with glycine.
Molecular consequence: missense variant.
Genome position (GRCh38, 1-based): chr6:75,931,070, T>C on the plus strand (A>G on the coding strand, the complement: IMPG1 is on the minus strand). VCF-style: chr6-75931070-T-C. GRCh37 (hg19) VCF-style: chr6-76640787-T-C.
Other names: c.1892A>G, p.Glu631Gly (NM_001282368.2); c.2126A>G (NM_001563.3); short protein forms E631G, E709G.
Identifiers: ClinVar variation 1115486 (VCV001115486.12), dbSNP rs146117469, ClinGen allele CA3897922.
Genomic context (GRCh38, chr6:75,931,070, plus strand): 5'-AGGCCTGGTTCCAGACCGTCCAGGCTCCCCTGGCTGTCATATCCTGGTTTGCAGCGACAC[T>C]CCGCTTCCTCAGTCCGTTCGTTCTTTACACATTGGGCAAATTCGCCGCAGGCCAGGAACT-3'
Protein context (NP_001554.2, residues 699-719): CVKNERTEEA[Glu709Gly]CRCKPGYDSQ